The following is an entry in ClinVar:

ClinVar aggregate classification (germline): Uncertain significance. Review status: criteria provided, single submitter (1 of 4 stars). 3 submissions from 3 submitters: Uncertain significance (1). 2 of the submissions do not count toward it. Last evaluated 2025-06-15.

Conditions:
Hypogonadotropic hypogonadism 2 with or without anosmia (HH2). Also called: HYPOGONADOTROPIC HYPOGONADISM 2 WITH OR WITHOUT ANOSMIA, SUSCEPTIBILITY TO; HYPOGONADOTROPIC HYPOGONADISM 2 WITHOUT ANOSMIA, SUSCEPTIBILITY TO; FGFR1-Related GnRH Deficiency (Kallmann Syndrome 2); HYPOGONADOTROPIC HYPOGONADISM 2 WITHOUT ANOSMIA. Identifiers: Orphanet 478, MedGen C1563720, MONDO:0007844, OMIM 147950. Disease mechanism: loss of function.
Pfeiffer syndrome (ACS5). Also called: ACS V. Identifiers: Orphanet 710, MedGen C0220658, MONDO:0007043, OMIM 101600.

Allele frequency attached by ClinVar (database versions not stated): ExAC 0.00001; gnomAD 0.00001; TOPMed 0.00001; gnomAD exomes 0.00002.
gnomAD v4.1: 32 of 1,614,072 alleles (0.002%); highest among the groups gnomAD compares: Non-Finnish European, 0.0027%; no homozygotes.

Submissions (3):

Labcorp Genetics (formerly Invitae), Labcorp
Classification: Uncertain significance for Pfeiffer syndrome; Hypogonadotropic hypogonadism 2 with or without anosmia. Last evaluated: 2025-06-15. Review status: criteria provided, single submitter. Criteria: Invitae Variant Classification Sherloc (09022015). Collection method: clinical testing. Allele origin: germline.
Comment: This sequence change replaces tyrosine, which is neutral and polar, with cysteine, which is neutral and slightly polar, at codon 463 of the FGFR1 protein (p.Tyr463Cys). This variant is present in population databases (rs746082633, gnomAD 0.005%). This variant has not been reported in the literature in individuals affected with FGFR1-related conditions. ClinVar contains an entry for this variant (Variation ID: 1206155). Invitae Evidence Modeling of protein sequence and biophysical properties (such as structural, functional, and spatial information, amino acid conservation, physicochemical variation, residue mobility, and thermodynamic stability) indicates that this missense variant is not expected to disrupt FGFR1 protein function with a negative predictive value of 80%. In summary, the available evidence is currently insufficient to determine the role of this variant in disease. Therefore, it has been classified as a Variant of Uncertain Significance.

Clinical Genetics, Academic Medical Center
Classification: Uncertain significance. Review status: no assertion criteria provided. Collection method: clinical testing. Allele origin: germline. Affected: yes. Study: VKGL Data-share Consensus. Not counted in ClinVar's aggregate classification.

Laboratory of Diagnostic Genome Analysis, Leiden University Medical Center (LUMC)
Classification: Uncertain significance. Review status: no assertion criteria provided. Collection method: clinical testing. Allele origin: germline. Affected: yes. Study: VKGL Data-share Consensus. Not counted in ClinVar's aggregate classification.

NM_023110.3(FGFR1):c.1388A>G (p.Tyr463Cys)

Gene: FGFR1 (fibroblast growth factor receptor 1; minus strand). Cytogenetic location: 8p11.23.
Variant type: single nucleotide variant.
Coding change: c.1388A>G on transcript NM_023110.3 (MANE Select); coding-DNA position 1388, A replaced by G.
Protein change: p.Tyr463Cys; replaces tyrosine 463 with cysteine.
Molecular consequence: missense variant.
Genome position (GRCh38, 1-based): chr8:38,418,270, T>C on the plus strand (A>G on the coding strand, the complement: FGFR1 is on the minus strand). VCF-style: chr8-38418270-T-C. GRCh37 (hg19) VCF-style: chr8-38275788-T-C.
Other names: c.1382A>G, p.Tyr461Cys (NM_001174063.2, NM_001174065.2, NM_001354367.2 and 1 more transcripts); c.1358A>G, p.Tyr453Cys (NM_001174064.2); c.1121A>G, p.Tyr374Cys (NM_001174066.2, NM_023105.3); c.1481A>G, p.Tyr494Cys (NM_001174067.2); c.1109A>G, p.Tyr370Cys (NM_001354368.2); c.1376A>G, p.Tyr459Cys (NM_001354369.2); c.1115A>G, p.Tyr372Cys (NM_001354370.2, NM_023106.3); short protein forms Y370C, Y372C, Y374C, Y453C, Y459C, Y461C, Y463C, Y494C.
Identifiers: ClinVar variation 1206155 (VCV001206155.4), dbSNP rs746082633, ClinGen allele CA4718397.